The following is an entry in ClinVar:

NM_005327.7(HADH):c.420A>T (p.Glu140Asp)

Gene: HADH (hydroxyacyl-CoA dehydrogenase; plus strand). Cytogenetic location: 4q25.
Variant type: single nucleotide variant.
Coding change: c.420A>T on transcript NM_005327.7 (MANE Select); coding-DNA position 420, A replaced by T.
Protein change: p.Glu140Asp; replaces glutamic acid 140 with aspartic acid.
Molecular consequence: missense variant.
Genome position (GRCh38, 1-based): chr4:108,019,540, A>T. VCF-style: chr4-108019540-A-T. GRCh37 (hg19) VCF-style: chr4-108940696-A-T.
Other names: c.420A>T, p.Glu140Asp (NM_001184705.4); c.432A>T, p.Glu144Asp (NM_001331027.2); short protein forms E140D, E144D.
Identifiers: ClinVar variation 2119787 (VCV002119787.4), dbSNP rs2477237444, ClinGen allele CA357832657.

ClinVar aggregate classification (germline): Uncertain significance (1 of 4 stars; one submission).

Conditions:
Deficiency of 3-hydroxyacyl-CoA dehydrogenase. Also called: HADH DEFICIENCY; 3-hydroxyacyl-CoA dehydrogenase deficiency. Identifiers: Orphanet 309127, Orphanet 71212, MedGen C1291230, MONDO:0017715, OMIM 231530.

Submission:

Labcorp Genetics (formerly Invitae), Labcorp
Classification: Uncertain significance for Deficiency of 3-hydroxyacyl-CoA dehydrogenase. Last evaluated: 2022-04-08. Review status: criteria provided, single submitter. Criteria: Invitae Variant Classification Sherloc (09022015). Collection method: clinical testing. Allele origin: germline.
Comment: This sequence change replaces glutamic acid, which is acidic and polar, with aspartic acid, which is acidic and polar, at codon 140 of the HADH protein (p.Glu140Asp). In summary, the available evidence is currently insufficient to determine the role of this variant in disease. Therefore, it has been classified as a Variant of Uncertain Significance. Algorithms developed to predict the effect of missense changes on protein structure and function (SIFT, PolyPhen-2, Align-GVGD) all suggest that this variant is likely to be tolerated. This variant has not been reported in the literature in individuals affected with HADH-related conditions. This variant is not present in population databases (gnomAD no frequency).